The following is an entry in ClinVar:

ClinVar aggregate classification (germline): Uncertain significance (1 of 4 stars; one submission).

Submission:

Labcorp Genetics (formerly Invitae), Labcorp
Classification: Uncertain significance. Last evaluated: 2024-02-24. Review status: criteria provided, single submitter. Criteria: Invitae Variant Classification Sherloc (09022015). Collection method: clinical testing. Allele origin: germline.
Comment: This sequence change replaces arginine, which is basic and polar, with methionine, which is neutral and non-polar, at codon 497 of the COMP protein (p.Arg497Met). This variant is not present in population databases (gnomAD no frequency). This variant has not been reported in the literature in individuals affected with COMP-related conditions. ClinVar contains an entry for this variant (Variation ID: 2079465). An algorithm developed to predict the effect of missense changes on protein structure and function (PolyPhen-2) suggests that this variant is likely to be disruptive. Algorithms developed to predict the effect of sequence changes on RNA splicing suggest that this variant may disrupt the consensus splice site. In summary, the available evidence is currently insufficient to determine the role of this variant in disease. Therefore, it has been classified as a Variant of Uncertain Significance.

NM_000095.3(COMP):c.1490G>T (p.Arg497Met)

Gene: COMP (cartilage oligomeric matrix protein; minus strand). Cytogenetic location: 19p13.11.
Variant type: single nucleotide variant.
Coding change: c.1490G>T on transcript NM_000095.3 (MANE Select); coding-DNA position 1490, G replaced by T.
Protein change: p.Arg497Met; replaces arginine 497 with methionine.
Molecular consequence: missense variant.
Genome position (GRCh38, 1-based): chr19:18,785,851, C>A on the plus strand (G>T on the coding strand, the complement: COMP is on the minus strand). VCF-style: chr19-18785851-C-A. GRCh37 (hg19) VCF-style: chr19-18896661-C-A.
Other names: short protein forms R497M.
Identifiers: ClinVar variation 2079465 (VCV002079465.4), dbSNP rs1395722816, ClinGen allele CA404883896.
Genomic context (GRCh38, chr19:18,785,851, plus strand): 5'-ATCTTGTCTACCACCTTGTCTGCATCAAAGTCGTCCTGGCACACGTCGCCCACGCCGTCC[C>A]CTGAGAGGTGGGAGACCCCTCGGTGGGCTAAAGTCAGGGCCCGCCCACCGTAGACCCCGC-3'
Protein context (NP_000086.2, residues 487-507): VPNPGQEDAD[Arg497Met]DGVGDVCQDD